The following is an entry in ClinVar:

NM_001042492.3(NF1):c.4306G>C (p.Glu1436Gln)

Gene: NF1 (neurofibromin 1; plus strand). Cytogenetic location: 17q11.2.
Variant type: single nucleotide variant.
Coding change: c.4306G>C on transcript NM_001042492.3 (MANE Select); coding-DNA position 4306, G replaced by C.
Protein change: p.Glu1436Gln; replaces glutamic acid 1436 with glutamine.
Molecular consequence: missense variant.
Genome position (GRCh38, 1-based): chr17:31,258,476, G>C. VCF-style: chr17-31258476-G-C. GRCh37 (hg19) VCF-style: chr17-29585494-G-C.
Other names: c.4243G>C, p.Glu1415Gln (NM_000267.4); short protein forms E1436Q, E1415Q.
Identifiers: ClinVar variation 824712 (VCV000824712.4), dbSNP rs876660428, ClinGen allele CA398998086.
Genomic context (GRCh38, chr17:31,258,476, plus strand): 5'-CCTGCCATTGTCTCACCGTATGAAGCAGGGATTTTAGATAAAAAGCCACCACCTAGAATC[G>C]AAAGGGGCTTGAAGTTAATGTCAAAGGTGAATTATTTTGATAATCTAGCTATCTTAAATT-3'
Protein context (NP_001035957.1, residues 1426-1446): ILDKKPPPRI[Glu1436Gln]RGLKLMSKIL

ClinVar aggregate classification (germline): Uncertain significance (1 of 4 stars; one submission).

Conditions:
Hereditary cancer-predisposing syndrome. Also called: Neoplastic Syndromes, Hereditary; Tumor predisposition; Hereditary neoplastic syndrome; Hereditary Cancer Syndrome. Identifiers: Orphanet 140162, MedGen C0027672, MeSH D009386, MONDO:0015356.
Cardiovascular phenotype. Identifiers: MedGen CN230736.

gnomAD v4.1: 1 of 1,613,814 alleles (0.000062%); highest among the groups gnomAD compares: Non-Finnish European, 0.000085%; no homozygotes.

Submission:

Ambry Genetics
Classification: Uncertain significance for Cardiovascular phenotype; Hereditary cancer-predisposing syndrome. Last evaluated: 2018-03-26. Review status: criteria provided, single submitter. Criteria: Ambry Variant Classification Scheme 2023. Collection method: clinical testing. Allele origin: germline.
Comment: The p.E1415Q variant (also known as c.4243G>C), located in coding exon 31 of the NF1 gene, results from a G to C substitution at nucleotide position 4243. The glutamic acid at codon 1415 is replaced by glutamine, an amino acid with highly similar properties. This amino acid position is highly conserved in available vertebrate species. In addition, this alteration is predicted to be deleterious by in silico analysis. Since supporting evidence is limited at this time, the clinical significance of this alteration remains unclear.